The following is an entry in ClinVar:

NM_001110556.2(FLNA):c.6445C>T (p.Arg2149Trp)

Gene: FLNA (filamin A; minus strand). Cytogenetic location: Xq28.
Variant type: single nucleotide variant.
Coding change: c.6445C>T on transcript NM_001110556.2 (MANE Select); coding-DNA position 6445, C replaced by T.
Protein change: p.Arg2149Trp; replaces arginine 2149 with tryptophan.
Molecular consequence: missense variant.
Genome position (GRCh38, 1-based): chrX:154,352,610, G>A on the plus strand (C>T on the coding strand, the complement: FLNA is on the minus strand). VCF-style: chrX-154352610-G-A. GRCh37 (hg19) VCF-style: chrX-153580978-G-A.
Other names: c.6421C>T, p.Arg2141Trp (NM_001456.4); short protein forms R2149W, R2141W.
Identifiers: ClinVar variation 807858 (VCV000807858.44), dbSNP rs1603359214, ClinGen allele CA415192190.

ClinVar aggregate classification (germline): Uncertain significance. Review status: criteria provided, multiple submitters, no conflicts (2 of 4 stars). 2 submissions from 2 submitters: Uncertain significance (2). Last evaluated 2021-08-26.

Submissions (2):

GeneDx
Classification: Uncertain significance. Last evaluated: 2021-08-26. Review status: criteria provided, single submitter. Criteria: GeneDx Variant Classification Process June 2021. Collection method: clinical testing. Allele origin: germline. Affected: yes.
Comment: Not observed at significant frequency in large population cohorts (Lek et al., 2016); In silico analysis supports that this missense variant has a deleterious effect on protein structure/function; Has not been previously published as pathogenic or benign to our knowledge

CeGaT Center for Human Genetics Tuebingen
Classification: Uncertain significance. Last evaluated: 2019-03-01. Review status: criteria provided, single submitter. Criteria: CeGaT Center For Human Genetics Tuebingen Variant Classification Criteria Version 2. Collection method: clinical testing. Allele origin: germline. Affected: yes. Observed: 2 variant alleles.